The following is an entry in ClinVar:

ClinVar aggregate classification (germline): Uncertain significance (1 of 4 stars; one submission).

Conditions:
Propionic acidemia (PROP). Also called: GLYCINEMIA, KETOTIC; HYPERGLYCINEMIA WITH KETOACIDOSIS AND LEUKOPENIA; KETOTIC HYPERGLYCINEMIA. Identifiers: Orphanet 35, MedGen C0268579, MONDO:0011628, OMIM 606054, HP:0003571.

Allele frequency attached by ClinVar (database versions not stated): TOPMed below 0.00001; gnomAD 0.00001.
gnomAD v4.1: 4 of 1,614,016 alleles (0.00025%); highest among the groups gnomAD compares: Non-Finnish European, 0.00034%; no homozygotes.

Submission:

Labcorp Genetics (formerly Invitae), Labcorp
Classification: Uncertain significance for Propionic acidemia. Last evaluated: 2021-10-19. Review status: criteria provided, single submitter. Criteria: Invitae Variant Classification Sherloc (09022015). Collection method: clinical testing. Allele origin: germline.
Comment: This sequence change replaces leucine with serine at codon 603 of the PCCA protein (p.Leu603Ser). The leucine residue is highly conserved and there is a large physicochemical difference between leucine and serine. This variant is not present in population databases (ExAC no frequency). This variant has not been reported in the literature in individuals affected with PCCA-related conditions. Advanced modeling of protein sequence and biophysical properties (such as structural, functional, and spatial information, amino acid conservation, physicochemical variation, residue mobility, and thermodynamic stability) performed at Invitae indicates that this missense variant is not expected to disrupt PCCA protein function. In summary, the available evidence is currently insufficient to determine the role of this variant in disease. Therefore, it has been classified as a Variant of Uncertain Significance.

NM_000282.4(PCCA):c.1808T>C (p.Leu603Ser)

Gene: PCCA (propionyl-CoA carboxylase subunit alpha; plus strand). Cytogenetic location: 13q32.3.
Variant type: single nucleotide variant.
Coding change: c.1808T>C on transcript NM_000282.4 (MANE Select); coding-DNA position 1808, T replaced by C.
Protein change: p.Leu603Ser; replaces leucine 603 with serine.
Molecular consequence: missense variant. On other transcripts: non-coding transcript variant (5).
Genome position (GRCh38, 1-based): chr13:100,425,694, T>C. VCF-style: chr13-100425694-T-C. GRCh37 (hg19) VCF-style: chr13-101077948-T-C.
Other names: c.1730T>C, p.Leu577Ser (NM_001127692.3, NM_001352607.2); c.1808T>C, p.Leu603Ser (NM_001178004.2, NM_001352605.2, NM_001352609.2); c.1664T>C, p.Leu555Ser (NM_001352606.2); c.1586T>C, p.Leu529Ser (NM_001352608.2); c.863T>C, p.Leu288Ser (NM_001352610.2, NM_001352611.2); c.719T>C, p.Leu240Ser (NM_001352612.2); short protein forms L555S, L577S, L240S, L288S, L529S, L603S.
Identifiers: ClinVar variation 1384085 (VCV001384085.3), dbSNP rs1427313509, ClinGen allele CA388696853.